The following is an entry in ClinVar:

ClinVar aggregate classification (germline): Likely benign (1 of 4 stars; one submission).

Conditions:
PKD1-related disorder. Also called: PKD1-related condition.

gnomAD v4.1: 66 of 1,543,380 alleles (0.0043%); highest among the groups gnomAD compares: South Asian, 0.069%; no homozygotes.

Submission:

PreventionGenetics, part of Exact Sciences
Classification: Likely benign for PKD1-related condition. Last evaluated: 2025-04-21. Review status: criteria provided, single submitter. Criteria: ACMG Guidelines, 2015. Collection method: clinical testing. Allele origin: germline.
Comment: This variant is classified as likely benign based on ACMG/AMP sequence variant interpretation guidelines (Richards et al. 2015 PMID: 25741868, with internal and published modifications).

NM_001009944.3(PKD1):c.7065+3G>A

Gene: PKD1 (polycystin 1, transient receptor potential channel interacting; minus strand). Cytogenetic location: 16p13.3.
Variant type: single nucleotide variant.
Coding change: c.7065+3G>A on transcript NM_001009944.3 (MANE Select); 3 bases into the intron after coding-DNA position 7065, G replaced by A.
Molecular consequence: intron variant.
Genome position (GRCh38, 1-based): chr16:2,107,880, C>T on the plus strand (G>A on the coding strand, the complement: PKD1 is on the minus strand). VCF-style: chr16-2107880-C-T. GRCh37 (hg19) VCF-style: chr16-2157881-C-T.
Other names: c.7065+3G>A (NM_000296.4).
Identifiers: ClinVar variation 4979114 (VCV004979114.1).
Genomic context (GRCh38, chr16:2,107,880, plus strand): 5'-CAGTAGATGACCAGGGAGGCTGGGCTGTCCAAGGCAAGTGGCCGAGGGGCGGGCGGCACC[C>T]ACCGTCTGGTTGGTGGCCTCCTCCTTGCGGCCGGCCTTCCACACGGTCAGGCTGAAGGTG-3'